The following is an entry in ClinVar:

NM_005559.4(LAMA1):c.3544G>T (p.Val1182Phe)

Gene: LAMA1 (laminin subunit alpha 1; minus strand). Cytogenetic location: 18p11.31.
Variant type: single nucleotide variant.
Coding change: c.3544G>T on transcript NM_005559.4 (MANE Select); coding-DNA position 3544, G replaced by T.
Protein change: p.Val1182Phe; replaces valine 1182 with phenylalanine.
Molecular consequence: missense variant.
Genome position (GRCh38, 1-based): chr18:7,011,443, C>A on the plus strand (G>T on the coding strand, the complement: LAMA1 is on the minus strand). VCF-style: chr18-7011443-C-A. GRCh37 (hg19) VCF-style: chr18-7011442-C-A.
Other names: c.3544G>T (NM_005559.3); short protein forms V1182F.
Identifiers: ClinVar variation 1444812 (VCV001444812.9), dbSNP rs370865543, ClinGen allele CA8882234.

ClinVar aggregate classification (germline): Uncertain significance. Review status: criteria provided, multiple submitters, no conflicts (2 of 4 stars). 2 submissions from 2 submitters: Uncertain significance (2). Last evaluated 2024-05-21.

Allele frequency attached by ClinVar (database versions not stated): gnomAD exomes 0.00003; TOPMed 0.00007; ExAC 0.00008; gnomAD 0.00009 and 0.00011; ESP Exome Variant Server 0.00015; 1000 Genomes Project 0.00060; 1000 Genomes Project 30x 0.00062.
gnomAD v4.1: 26 of 1,608,640 alleles (0.0016%); highest among the groups gnomAD compares: African/African-American, 0.033%; no homozygotes.

Submissions (2):

GeneDx
Classification: Uncertain significance. Last evaluated: 2024-05-21. Review status: criteria provided, single submitter. Criteria: GeneDx Variant Classification Process June 2021. Collection method: clinical testing. Allele origin: germline. Affected: yes.
Comment: In silico analysis supports that this missense variant has a deleterious effect on protein structure/function; Has not been previously published as pathogenic or benign to our knowledge; In silico analysis supports a deleterious effect on splicing

Labcorp Genetics (formerly Invitae), Labcorp
Classification: Uncertain significance. Last evaluated: 2023-07-17. Review status: criteria provided, single submitter. Criteria: Invitae Variant Classification Sherloc (09022015). Collection method: clinical testing. Allele origin: germline.
Comment: Advanced modeling of protein sequence and biophysical properties (such as structural, functional, and spatial information, amino acid conservation, physicochemical variation, residue mobility, and thermodynamic stability) performed at Invitae indicates that this missense variant is not expected to disrupt LAMA1 protein function. Algorithms developed to predict the effect of sequence changes on RNA splicing suggest that this variant may create or strengthen a splice site. In summary, the available evidence is currently insufficient to determine the role of this variant in disease. Therefore, it has been classified as a Variant of Uncertain Significance. ClinVar contains an entry for this variant (Variation ID: 1444812). This variant has not been reported in the literature in individuals affected with LAMA1-related conditions. This variant is present in population databases (rs370865543, gnomAD 0.05%). This sequence change replaces valine, which is neutral and non-polar, with phenylalanine, which is neutral and non-polar, at codon 1182 of the LAMA1 protein (p.Val1182Phe).